The following is an entry in ClinVar:

ClinVar aggregate classification (germline): Uncertain significance (1 of 4 stars; one submission).

Conditions:
Hereditary cancer-predisposing syndrome. Also called: Tumor predisposition; Hereditary Cancer Syndrome; Neoplastic Syndromes, Hereditary; Hereditary neoplastic syndrome. Identifiers: Orphanet 140162, MedGen C0027672, MeSH D009386, MONDO:0015356.

Submission:

Labcorp Genetics (formerly Invitae), Labcorp
Classification: Uncertain significance for Hereditary cancer-predisposing syndrome. Last evaluated: 2022-05-03. Review status: criteria provided, single submitter. Criteria: Invitae Variant Classification Sherloc (09022015). Collection method: clinical testing. Allele origin: germline.
Comment: In summary, the available evidence is currently insufficient to determine the role of this variant in disease. Therefore, it has been classified as a Variant of Uncertain Significance. Algorithms developed to predict the effect of missense changes on protein structure and function (SIFT, PolyPhen-2, Align-GVGD) all suggest that this variant is likely to be tolerated. This variant has not been reported in the literature in individuals affected with RAD50-related conditions. This variant is not present in population databases (gnomAD no frequency). This sequence change replaces asparagine, which is neutral and polar, with serine, which is neutral and polar, at codon 981 of the RAD50 protein (p.Asn981Ser).

NM_005732.4(RAD50):c.2942A>G (p.Asn981Ser)

Gene: RAD50 (RAD50 double strand break repair protein; plus strand). Cytogenetic location: 5q31.1.
Variant type: single nucleotide variant.
Coding change: c.2942A>G on transcript NM_005732.4 (MANE Select); coding-DNA position 2942, A replaced by G.
Protein change: p.Asn981Ser; replaces asparagine 981 with serine.
Molecular consequence: missense variant.
Genome position (GRCh38, 1-based): chr5:132,609,302, A>G. VCF-style: chr5-132609302-A-G. GRCh37 (hg19) VCF-style: chr5-131944994-A-G.
Other names: short protein forms N981S.
Identifiers: ClinVar variation 2418935 (VCV002418935.6), dbSNP rs2479371556, ClinGen allele CA360960335.